The following is an entry in ClinVar:

ClinVar aggregate classification (germline): Uncertain significance (1 of 4 stars; one submission).

gnomAD v4.1: 2 of 1,614,120 alleles (0.00012%); highest among the groups gnomAD compares: Non-Finnish European, 0.000085%; no homozygotes.

Submission:

GeneDx
Classification: Uncertain significance. Last evaluated: 2017-01-26. Review status: criteria provided, single submitter. Criteria: GeneDx Variant Classification (06012015). Collection method: clinical testing. Allele origin: germline. Affected: yes.
Comment: A variant of uncertain significance has been identified in the VCL gene. The A690D variant has not been published as pathogenic or been reported as benign to our knowledge. This variant is not observed in large population cohorts (Lek et al., 2016; 1000 Genomes Consortium et al., 2015; Exome Variant Server). The A690D variant is a non-conservative amino acid substitution, which is likely to impact secondary protein structure as these residues differ in polarity, charge, size and/or other properties. Additionally, this substitution occurs at a position that is conserved across species. Furthermore, in silico analysis predicts this variant is probably damaging to the protein structure/function. Nevertheless, no missense variants in nearby residues have been reported in the Human Gene Mutation Database in association with cardiomyopathy (Stenson et al., 2014).

NM_014000.3(VCL):c.2069C>A (p.Ala690Asp)

Gene: VCL (vinculin; plus strand). Cytogenetic location: 10q22.2.
Variant type: single nucleotide variant.
Coding change: c.2069C>A on transcript NM_014000.3 (MANE Select); coding-DNA position 2069, C replaced by A.
Protein change: p.Ala690Asp; replaces alanine 690 with aspartic acid.
Molecular consequence: missense variant.
Genome position (GRCh38, 1-based): chr10:74,103,866, C>A. VCF-style: chr10-74103866-C-A. GRCh37 (hg19) VCF-style: chr10-75863624-C-A.
Other names: c.2069C>A, p.Ala690Asp (NM_003373.4); short protein forms A690D.
Identifiers: ClinVar variation 393187 (VCV000393187.2), dbSNP rs1057524826, ClinGen allele CA16605688.